The following is an entry in ClinVar:

NM_138694.4(PKHD1):c.7734-4T>C

Gene: PKHD1 (PKHD1 ciliary IPT domain containing fibrocystin/polyductin; minus strand). Cytogenetic location: 6p12.2.
Variant type: single nucleotide variant.
Coding change: c.7734-4T>C on transcript NM_138694.4 (MANE Select); 4 bases into the intron before coding-DNA position 7734, T replaced by C.
Molecular consequence: intron variant.
Genome position (GRCh38, 1-based): chr6:51,856,074, A>G on the plus strand (T>C on the coding strand, the complement: PKHD1 is on the minus strand). VCF-style: chr6-51856074-A-G. GRCh37 (hg19) VCF-style: chr6-51720872-A-G.
Other names: p.?; c.7734-4T>C (NM_170724.3).
Identifiers: ClinVar variation 96422 (VCV000096422.33), dbSNP rs7452724, ClinGen allele CA149525.

ClinVar aggregate classification (germline): Benign. Review status: criteria provided, multiple submitters, no conflicts (2 of 4 stars). 11 submissions from 11 submitters: Benign (9). 2 of the submissions do not count toward it. Last evaluated 2026-02-04.

Conditions:
Polycystic kidney disease 4 (PKD4). Also called: POLYCYSTIC KIDNEY AND HEPATIC DISEASE 1; POLYCYSTIC KIDNEY DISEASE, INFANTILE, TYPE I; POLYCYSTIC KIDNEY DISEASE 4 WITH OR WITHOUT POLYCYSTIC LIVER DISEASE; PKD3; Autosomal Recessive Polycystic Kidney Disease – PKHD1. Identifiers: MedGen C4540575, MONDO:0033004, OMIM 263200.
Autosomal recessive polycystic kidney disease (ARPKD). Also called: AR polycystic kidney disease. Identifiers: Orphanet 731, Orphanet 8378, MedGen C0085548, MeSH D017044, MONDO:0009889.
Polycystic kidney disease. Also called: Kidney, Polycystic; Polycystic kidney dysplasia. Identifiers: MedGen C0022680, MeSH D007690, MONDO:0020642, HP:0000113.

Allele frequency attached by ClinVar (database versions not stated): ESP Exome Variant Server 0.34546; gnomAD 0.39369 and 0.40501; TOPMed 0.40756; ExAC 0.43417; gnomAD exomes 0.44527; 1000 Genomes Project 30x 0.53576; 1000 Genomes Project 0.53974.
gnomAD v4.1: 548,624 of 1,559,800 alleles (35%); highest among the groups gnomAD compares: East Asian, 83%; 108,806 homozygotes.

Submissions (11):

Labcorp Genetics (formerly Invitae), Labcorp
Classification: Benign for Autosomal recessive polycystic kidney disease. Last evaluated: 2026-02-04. Review status: criteria provided, single submitter. Criteria: Invitae Variant Classification Sherloc (09022015). Collection method: clinical testing. Allele origin: germline.

Blueprint Genetics
Classification: Benign. Last evaluated: 2024-11-27. Review status: criteria provided, single submitter. Criteria: ACMG Guidelines, 2015. Collection method: clinical testing. Allele origin: germline.

Mayo Clinic Laboratories, Mayo Clinic
Classification: Benign. Last evaluated: 2022-03-09. Review status: criteria provided, single submitter. Criteria: ACMG Guidelines, 2015. Collection method: clinical testing. Allele origin: germline. Observed: 490 variant alleles.

Genome-Nilou Lab
Classification: Benign for Polycystic kidney disease 4. Last evaluated: 2021-09-05. Review status: criteria provided, single submitter. Criteria: ACMG Guidelines, 2015. Collection method: clinical testing. Allele origin: germline. Affected: no.

Pars Genome Lab
Classification: Benign for Polycystic kidney disease 4. Last evaluated: 2021-06-19. Review status: criteria provided, single submitter. Criteria: ACMG Guidelines, 2015. Collection method: clinical testing. Allele origin: germline. Affected: no.

GeneDx
Classification: Benign. Last evaluated: 2018-07-09. Review status: criteria provided, single submitter. Criteria: GeneDx Variant Classification Process June 2021. Collection method: clinical testing. Allele origin: germline. Affected: yes.

Illumina Laboratory Services, Illumina
Classification: Benign for Polycystic kidney disease 4. Last evaluated: 2018-01-12. Review status: criteria provided, single submitter. Criteria: ICSL Variant Classification Criteria 13 December 2019. Collection method: clinical testing. Allele origin: germline.
Comment: This variant was observed in the ICSL laboratory as part of a predisposition screen in an ostensibly healthy population. It had not been previously curated by ICSL or reported in the Human Gene Mutation Database (HGMD: prior to June 1st, 2018), and was therefore a candidate for classification through an automated scoring system. Utilizing variant allele frequency, disease prevalence and penetrance estimates, and inheritance mode, an automated score was calculated to assess if this variant is too frequent to cause the disease. Based on the score and internal cut-off values, a variant classified as benign is not then subjected to further curation. The score for this variant resulted in a classification of benign for this disease.

Eurofins Ntd Llc (ga)
Classification: Benign. Last evaluated: 2015-10-22. Review status: criteria provided, single submitter. Criteria: EGL Classification Definitions 2015. Collection method: clinical testing. Allele origin: germline. Observed: 110 variant alleles, 81 heterozygotes, 29 homozygotes.

PreventionGenetics, part of Exact Sciences
Classification: Benign. Review status: criteria provided, single submitter. Criteria: ACMG Guidelines, 2015. Collection method: clinical testing. Allele origin: germline.

Natera, Inc.
Classification: Benign for Autosomal recessive polycystic kidney disease. Last evaluated: 2017-08-08. Review status: no assertion criteria provided. Collection method: clinical testing. Allele origin: germline. Not counted in ClinVar's aggregate classification.

Department of Pathology and Laboratory Medicine, Sinai Health System
Classification: Benign for Polycystic Kidney disease. Review status: no assertion criteria provided. Collection method: clinical testing. Allele origin: unknown. Affected: yes. Study: The Canadian Open Genetics Repository (COGR). Not counted in ClinVar's aggregate classification.
Comment: The c.7734-4T>C variant was identified in 43.42% of 52661 control alleles in the Exome Aggregation Consortium (March 14, 2016). According to ACMG guidelines for variant classification based on allele frequency, category BA1, this variant is considered benign and has not been further reviewed (Richards 2015).